The following is an entry in ClinVar:

ClinVar aggregate classification (germline): Uncertain significance. Review status: criteria provided, multiple submitters, no conflicts (2 of 4 stars). 2 submissions from 2 submitters: Uncertain significance (2). Last evaluated 2025-11-15.

Conditions:
Inborn genetic diseases. Identifiers: MedGen C0950123, MeSH D030342.

Allele frequency attached by ClinVar (database versions not stated): gnomAD 0.00001; TOPMed 0.00001.
gnomAD v4.1: 67 of 1,500,878 alleles (0.0045%); highest among the groups gnomAD compares: Non-Finnish European, 0.0059%; no homozygotes.

Submissions (2):

Labcorp Genetics (formerly Invitae), Labcorp
Classification: Uncertain significance. Last evaluated: 2025-11-15. Review status: criteria provided, single submitter. Criteria: Invitae Variant Classification Sherloc (09022015). Collection method: clinical testing. Allele origin: germline.
Comment: This sequence change replaces glycine, which is neutral and non-polar, with serine, which is neutral and polar, at codon 86 of the KDM1A protein (p.Gly86Ser). The frequency data for this variant in the population databases is considered unreliable, as metrics indicate poor data quality at this position in the gnomAD database. This variant has not been reported in the literature in individuals affected with KDM1A-related conditions. ClinVar contains an entry for this variant (Variation ID: 2878954). An algorithm developed to predict the effect of missense changes on protein structure and function (PolyPhen-2) suggests that this variant is likely to be tolerated. In summary, the available evidence is currently insufficient to determine the role of this variant in disease. Therefore, it has been classified as a Variant of Uncertain Significance.

Ambry Genetics
Classification: Uncertain significance for Inborn genetic diseases. Last evaluated: 2024-11-23. Review status: criteria provided, single submitter. Criteria: Ambry Variant Classification Scheme 2023. Collection method: clinical testing. Allele origin: germline.
Comment: The p.G86S variant (also known as c.256G>A), located in coding exon 1 of the KDM1A gene, results from a G to A substitution at nucleotide position 256. The glycine at codon 86 is replaced by serine, an amino acid with similar properties. This amino acid position is conserved. In addition, this alteration is predicted to be tolerated by in silico analysis. Based on the available evidence, the clinical significance of this variant remains unclear.

NM_001009999.3(KDM1A):c.256G>A (p.Gly86Ser)

Gene: KDM1A (lysine demethylase 1A; plus strand). Cytogenetic location: 1p36.12.
Variant type: single nucleotide variant.
Coding change: c.256G>A on transcript NM_001009999.3 (MANE Select); coding-DNA position 256, G replaced by A.
Protein change: p.Gly86Ser; replaces glycine 86 with serine.
Molecular consequence: missense variant.
Genome position (GRCh38, 1-based): chr1:23,019,852, G>A. VCF-style: chr1-23019852-G-A. GRCh37 (hg19) VCF-style: chr1-23346345-G-A.
Other names: c.256G>A (NM_001009999.2); c.256G>A, p.Gly86Ser (NM_001363654.2, NM_001410762.1, NM_001410763.1 and 1 more transcripts); short protein forms G86S.
Identifiers: ClinVar variation 2878954 (VCV002878954.4), dbSNP rs773542591, ClinGen allele CA679415.